The following is an entry in ClinVar:

ClinVar aggregate classification (germline): Uncertain significance (1 of 4 stars; one submission).

Conditions:
Congenital myopathy with internal nuclei and atypical cores. Also called: Myopathy, centronuclear, 4. Identifiers: Orphanet 319160, MedGen C4707232, MONDO:0013890, OMIM 614807.

Allele frequency attached by ClinVar (database versions not stated): gnomAD exomes below 0.00001; TOPMed below 0.00001; gnomAD 0.00001; ExAC 0.00002; ESP Exome Variant Server 0.00008.
gnomAD v4.1: 2 of 1,612,586 alleles (0.00012%); highest among the groups gnomAD compares: African/African-American, 0.0027%; no homozygotes.

Submission:

Labcorp Genetics (formerly Invitae), Labcorp
Classification: Uncertain significance for Congenital myopathy with internal nuclei and atypical cores. Last evaluated: 2025-05-27. Review status: criteria provided, single submitter. Criteria: Invitae Variant Classification Sherloc (09022015). Collection method: clinical testing. Allele origin: germline.
Comment: This sequence change replaces aspartic acid, which is acidic and polar, with asparagine, which is neutral and polar, at codon 394 of the CCDC78 protein (p.Asp394Asn). This variant is present in population databases (rs137980462, gnomAD 0.01%). This variant has not been reported in the literature in individuals affected with CCDC78-related conditions. ClinVar contains an entry for this variant (Variation ID: 2917313). Invitae Evidence Modeling of protein sequence and biophysical properties (such as structural, functional, and spatial information, amino acid conservation, physicochemical variation, residue mobility, and thermodynamic stability) indicates that this missense variant is not expected to disrupt CCDC78 protein function with a negative predictive value of 80%. In summary, the available evidence is currently insufficient to determine the role of this variant in disease. Therefore, it has been classified as a Variant of Uncertain Significance.

NM_001378030.1(CCDC78):c.1180G>A (p.Asp394Asn)

Gene: CCDC78 (coiled-coil domain containing 78; minus strand). Cytogenetic location: 16p13.3.
Variant type: single nucleotide variant.
Coding change: c.1180G>A on transcript NM_001378030.1 (MANE Select); coding-DNA position 1180, G replaced by A.
Protein change: p.Asp394Asn; replaces aspartic acid 394 with asparagine.
Molecular consequence: missense variant. On other transcripts: non-coding transcript variant (5).
Genome position (GRCh38, 1-based): chr16:723,115, C>T on the plus strand (G>A on the coding strand, the complement: CCDC78 is on the minus strand). VCF-style: chr16-723115-C-T. GRCh37 (hg19) VCF-style: chr16-773115-C-T.
Other names: c.1180G>A, p.Asp394Asn (NM_001031737.3); c.1000G>A, p.Asp334Asn (NM_001378031.1); c.613G>A, p.Asp205Asn (NM_001378033.1); short protein forms D205N, D394N, D334N.
Identifiers: ClinVar variation 2917313 (VCV002917313.3), dbSNP rs137980462, ClinGen allele CA7789143.